The following is an entry in ClinVar:

ClinVar aggregate classification (germline): Uncertain significance (1 of 4 stars; one submission).

Conditions:
Neuroblastoma, susceptibility to, 3. Also called: ALK-Related Neuroblastic Tumor Susceptibility. Identifiers: Orphanet 635, MedGen C2751681, MONDO:0013083, OMIM 613014.

Submission:

Labcorp Genetics (formerly Invitae), Labcorp
Classification: Uncertain significance for Neuroblastoma, susceptibility to, 3. Last evaluated: 2024-08-03. Review status: criteria provided, single submitter. Criteria: Invitae Variant Classification Sherloc (09022015). Collection method: clinical testing. Allele origin: germline.
Comment: This sequence change replaces proline, which is neutral and non-polar, with leucine, which is neutral and non-polar, at codon 1357 of the ALK protein (p.Pro1357Leu). This variant is not present in population databases (gnomAD no frequency). This variant has not been reported in the literature in individuals affected with ALK-related conditions. An algorithm developed to predict the effect of missense changes on protein structure and function (PolyPhen-2) suggests that this variant is likely to be disruptive. In summary, the available evidence is currently insufficient to determine the role of this variant in disease. Therefore, it has been classified as a Variant of Uncertain Significance.

NM_004304.5(ALK):c.4070C>T (p.Pro1357Leu)

Gene: ALK (ALK receptor tyrosine kinase; minus strand). Cytogenetic location: 2p23.2.
Variant type: single nucleotide variant.
Coding change: c.4070C>T on transcript NM_004304.5 (MANE Select); coding-DNA position 4070, C replaced by T.
Protein change: p.Pro1357Leu; replaces proline 1357 with leucine.
Molecular consequence: missense variant.
Genome position (GRCh38, 1-based): chr2:29,197,545, G>A on the plus strand (C>T on the coding strand, the complement: ALK is on the minus strand). VCF-style: chr2-29197545-G-A. GRCh37 (hg19) VCF-style: chr2-29420411-G-A.
Other names: c.866C>T, p.Pro289Leu (NM_001353765.2); short protein forms P1357L, P289L.
Identifiers: ClinVar variation 3661293 (VCV003661293.2).